The following is an entry in ClinVar:

NM_006186.4(NR4A2):c.44_45insA (p.Ser16fs)

Gene: NR4A2 (nuclear receptor subfamily 4 group A member 2; minus strand). Cytogenetic location: 2q24.1.
Variant type: Insertion.
Coding change: c.44_45insA on transcript NM_006186.4 (MANE Select); coding-DNA positions 44 to 45, A inserted.
Protein change: p.Ser16fs; shifts the reading frame from serine 16.
Molecular consequence: frameshift variant. On other transcripts: intron variant (1).
Genome position: GRCh38 VCF-style: chr2-156330142-G-GT. GRCh37 (hg19) VCF-style: chr2-157186654-G-GT.
Other names: HZF-3; NOT; NURR1; RNR1; TINUR; c.-13-133_-13-132insA (NM_173173.3); short protein forms S16fs.
Identifiers: ClinVar variation 3338013 (VCV003338013.2).

ClinVar aggregate classification (germline): Pathogenic (1 of 4 stars; one submission).

Conditions:
Intellectual developmental disorder with language impairment and early-onset DOPA-responsive dystonia-parkinsonism (IDLDP). Identifiers: Orphanet 660017, MedGen C5677001, MONDO:0859257, OMIM 619911.

Submission:

Center Lab, King Abdulaziz University
Classification: Pathogenic for Intellectual developmental disorder with language impairment and early-onset DOPA-responsive dystonia-parkinsonism. Last evaluated: 2024-08-09. Review status: criteria provided, single submitter. Criteria: ACMG Guidelines, 2015. Collection method: clinical testing. Allele origin: de novo. Inheritance: Autosomal dominant inheritance. Affected: yes. Observed: 9 variant alleles, 8 heterozygotes, 1 homozygote. Clinical features observed: Global developmental delay (HP:0001263), Absent speech (HP:0001344), Ataxia (HP:0001251), Hyperactivity (HP:0000752), Dystonic disorder (HP:0001332).
Comment: The frameshift NM_006186.4:c.44_45insA variant got 10 ACMG points: 10P and 0B. PVS1, PM6, PM2_Sup. Loss of function variant, product does not undergo nonsense mediated mRNA decay. Variant located near the start codon (<100nt), not predicted to undergo nonsense mediated mRNA decay. There are 22 pathogenic variants in the truncated region. There is no functional evidence in ClinVar for this variation.

Literature cited by the submitters: PubMed 38440907.